The following is an entry in ClinVar:

ClinVar aggregate classification (germline): Benign. Review status: criteria provided, multiple submitters, no conflicts (2 of 4 stars). 3 submissions from 3 submitters: Benign (2). 1 of the submissions does not count toward it. Last evaluated 2018-01-13.

Conditions:
3-Oxo-5 alpha-steroid delta 4-dehydrogenase deficiency (PPSH). Also called: 46,XY disorder of sex development due to 5-alpha-reductase 2 deficiency; PSEUDOVAGINAL PERINEOSCROTAL HYPOSPADIAS; FAMILIAL INCOMPLETE MALE PSEUDOHERMAPHRODITISM, TYPE 2; MALE PSEUDOHERMAPHRODITISM DUE TO 5-ALPHA-REDUCTASE DEFICIENCY. Identifiers: Orphanet 753, MedGen C0268297, MONDO:0009923, OMIM 264600. Disease mechanism: loss of function.

Allele frequency attached by ClinVar (database versions not stated): gnomAD exomes 0.14886; gnomAD 0.16229 and 0.16392; TOPMed 0.16476; 1000 Genomes Project 0.16693; 1000 Genomes Project 30x 0.16802.
gnomAD v4.1: 36,298 of 230,052 alleles (16%); highest among the groups gnomAD compares: African/African-American, 25%; 3,236 homozygotes.

Submissions (3):

Illumina Laboratory Services, Illumina
Classification: Benign for 3-Oxo-5 alpha-steroid delta 4-dehydrogenase deficiency. Last evaluated: 2018-01-13. Review status: criteria provided, single submitter. Criteria: ICSL Variant Classification Criteria 13 December 2019. Collection method: clinical testing. Allele origin: germline.
Comment: This variant was observed in the ICSL laboratory as part of a predisposition screen in an ostensibly healthy population. It had not been previously curated by ICSL or reported in the Human Gene Mutation Database (HGMD: prior to June 1st, 2018), and was therefore a candidate for classification through an automated scoring system. Utilizing variant allele frequency, disease prevalence and penetrance estimates, and inheritance mode, an automated score was calculated to assess if this variant is too frequent to cause the disease. Based on the score and internal cut-off values, a variant classified as benign is not then subjected to further curation. The score for this variant resulted in a classification of benign for this disease.

Breakthrough Genomics
Classification: Benign. Review status: criteria provided, single submitter. Criteria: ACMG Guidelines, 2015. Collection method: not provided. Allele origin: germline. Inheritance: Autosomal recessive inheritance. Affected: yes.

University of Sydney Medical Foundation
No classification provided. Review status: no classification provided. Collection method: not provided. Allele origin: not provided. Not counted in ClinVar's aggregate classification.

NM_000348.4(SRD5A2):c.*1552G>A

Gene: SRD5A2 (steroid 5 alpha-reductase 2; minus strand). Cytogenetic location: 2p23.1.
Variant type: single nucleotide variant.
Coding change: c.*1552G>A on transcript NM_000348.4 (MANE Select); 1552 bases downstream of the stop codon, G replaced by A.
Molecular consequence: 3 prime UTR variant.
Genome position (GRCh38, 1-based): chr2:31,524,644, C>T on the plus strand (G>A on the coding strand, the complement: SRD5A2 is on the minus strand). VCF-style: chr2-31524644-C-T. GRCh37 (hg19) VCF-style: chr2-31749714-C-T.
Identifiers: ClinVar variation 97419 (VCV000097419.6), dbSNP rs1042578, ClinGen allele CA224928.